The following is an entry in ClinVar:

NM_025074.7(FRAS1):c.4065dup (p.Glu1356fs)

Gene: FRAS1 (Fraser extracellular matrix complex subunit 1; plus strand). Cytogenetic location: 4q21.21.
Variant type: Duplication.
Coding change: c.4065dup on transcript NM_025074.7 (MANE Select); coding-DNA position 4065, one base duplicated (C; older notation c.4065dupC).
Protein change: p.Glu1356fs; shifts the reading frame from glutamic acid 1356.
Molecular consequence: frameshift variant.
Genome position (GRCh38, 1-based): chr4:78,400,823, C duplicated; the last of 2 consecutive C bases (chr4:78,400,822-78,400,823); duplicating either gives the same sequence. VCF-style (leftmost placement, unchanged base first): chr4-78400821-G-GC. GRCh37 (hg19) VCF-style: chr4-79321975-G-GC.
Other names: c.4065dup, p.Glu1356fs (NM_001166133.2); short protein forms E1356fs.
Identifiers: ClinVar variation 2694006 (VCV002694006.3), dbSNP rs2477022232, ClinGen allele CA2697546771.
Genomic context (GRCh38, chr4:78,400,821, plus strand): 5'-AATTCGATGGTGTGGGTTCCAGAAGGGGGGATGCTGCAGATCACCAACAGAATCTTACAG[G>GC]CCGAGGCTCCTGGTGCCAGTGCTGAAGAAATCATCTACAAGATTACACAAGACTACCCCC-3'

ClinVar aggregate classification (germline): Pathogenic (1 of 4 stars; one submission).

Submission:

Labcorp Genetics (formerly Invitae), Labcorp
Classification: Pathogenic. Last evaluated: 2023-11-07. Review status: criteria provided, single submitter. Criteria: Invitae Variant Classification Sherloc (09022015). Collection method: clinical testing. Allele origin: germline.
Comment: This sequence change creates a premature translational stop signal (p.Glu1356Argfs*8) in the FRAS1 gene. It is expected to result in an absent or disrupted protein product. Loss-of-function variants in FRAS1 are known to be pathogenic (PMID: 12766769, 18671281). This variant is not present in population databases (gnomAD no frequency). This variant has not been reported in the literature in individuals affected with FRAS1-related conditions. For these reasons, this variant has been classified as Pathogenic.

Literature cited by the submitters: PubMed 12766769; PubMed 18671281.